The following is an entry in ClinVar:

NM_012280.4(FTSJ1):c.609G>C (p.Glu203Asp)

Gene: FTSJ1 (FtsJ RNA 2'-O-methyltransferase 1; plus strand). Cytogenetic location: Xp11.23.
Variant type: single nucleotide variant.
Coding change: c.609G>C on transcript NM_012280.4 (MANE Select); coding-DNA position 609, G replaced by C.
Protein change: p.Glu203Asp; replaces glutamic acid 203 with aspartic acid.
Molecular consequence: missense variant.
Genome position (GRCh38, 1-based): chrX:48,481,669, G>C. VCF-style: chrX-48481669-G-C. GRCh37 (hg19) VCF-style: chrX-48340057-G-C.
Other names: c.198G>C, p.Glu66Asp (NM_001282157.2); c.609G>C, p.Glu203Asp (NM_177439.3); short protein forms E203D, E66D.
Identifiers: ClinVar variation 2632429 (VCV002632429.1), dbSNP rs1783285876, ClinGen allele CA412856947.

ClinVar aggregate classification (germline): Uncertain significance (1 of 4 stars; one submission).

Conditions:
FTSJ1-related disorder. Also called: FTSJ1-related condition.

Allele frequency attached by ClinVar (database versions not stated): gnomAD exomes below 0.00001.
gnomAD v4.1: 4 of 1,201,175 alleles (0.00033%); highest among the groups gnomAD compares: African/African-American, 0.0069%; no homozygotes.

Submission:

PreventionGenetics, part of Exact Sciences
Classification: Uncertain significance for FTSJ1-related condition. Last evaluated: 2023-07-18. Review status: criteria provided, single submitter. Criteria: ACMG Guidelines, 2015. Collection method: clinical testing. Allele origin: germline.
Comment: The FTSJ1 c.609G>C variant is predicted to result in the amino acid substitution p.Glu203Asp. To our knowledge, this variant has not been reported in the literature or in a large population database, indicating this variant is rare. At this time, the clinical significance of this variant is uncertain due to the absence of conclusive functional and genetic evidence.